The following is an entry in ClinVar:

ClinVar aggregate classification (germline): Pathogenic/Likely pathogenic. Review status: criteria provided, multiple submitters, no conflicts (2 of 4 stars). 2 submissions from 2 submitters: Pathogenic (1); Likely pathogenic (1). Last evaluated 2024-04-24.

Conditions:
Propionic acidemia (PROP). Also called: GLYCINEMIA, KETOTIC; HYPERGLYCINEMIA WITH KETOACIDOSIS AND LEUKOPENIA; KETOTIC HYPERGLYCINEMIA. Identifiers: Orphanet 35, MedGen C0268579, MONDO:0011628, OMIM 606054, HP:0003571.

Allele frequency attached by ClinVar (database versions not stated): TOPMed below 0.00001; gnomAD 0.00001; gnomAD exomes 0.00001 and 0.00002.

Submissions (2):

Fulgent Genetics
Classification: Likely pathogenic for Propionic acidemia. Last evaluated: 2024-04-24. Review status: criteria provided, single submitter. Criteria: ACMG Guidelines, 2015. Collection method: clinical testing. Allele origin: germline.

Labcorp Genetics (formerly Invitae), Labcorp
Classification: Pathogenic for Propionic acidemia. Last evaluated: 2022-04-07. Review status: criteria provided, single submitter. Criteria: Invitae Variant Classification Sherloc (09022015). Collection method: clinical testing. Allele origin: germline.
Comment: ClinVar contains an entry for this variant (Variation ID: 1076408). This variant has not been reported in the literature in individuals affected with PCCB-related conditions. This variant is present in population databases (no rsID available, gnomAD 0.002%). This sequence change creates a premature translational stop signal (p.Gln124Argfs*26) in the PCCB gene. It is expected to result in an absent or disrupted protein product. Loss-of-function variants in PCCB are known to be pathogenic (PMID: 15464417). Algorithms developed to predict the effect of sequence changes on RNA splicing suggest that this variant may disrupt the consensus splice site. For these reasons, this variant has been classified as Pathogenic.

Literature cited by the submitters: PubMed 15464417 (cited by Labcorp Genetics (formerly Invitae), Labcorp).

NM_000532.5(PCCB):c.371del (p.Gln124fs)

Gene: PCCB (propionyl-CoA carboxylase subunit beta; plus strand). Cytogenetic location: 3q22.3.
Variant type: Deletion.
Coding change: c.371del on transcript NM_000532.5 (MANE Select); coding-DNA position 371, one base deleted (A; older notation c.371delA).
Protein change: p.Gln124fs; shifts the reading frame from glutamine 124.
Molecular consequence: frameshift variant.
Genome position (GRCh38, 1-based): chr3:136,256,622, A deleted. VCF-style (leftmost placement, unchanged base first): chr3-136256621-CA-C. GRCh37 (hg19) VCF-style: chr3-135975463-CA-C.
Other names: c.371del, p.Gln124fs (NM_001178014.2); short protein forms Q124fs.
Identifiers: ClinVar variation 1076408 (VCV001076408.10), dbSNP rs1481849460, ClinGen allele CA546660407.